The following is an entry in ClinVar:

ClinVar aggregate classification (germline): Uncertain significance. Review status: reviewed by expert panel (3 of 4 stars). 3 submissions from 3 submitters: Uncertain significance (1). 2 of the submissions do not count toward it. Last evaluated 2025-01-03.

Conditions:
Monogenic diabetes. Identifiers: Orphanet 183625, MedGen C3888631, MONDO:0015967.
Maturity-onset diabetes of the young type 1. Also called: HNF4A-Related Maturity-Onset Diabetes of the Young Type 1; MODY, type I; MILD JUVENILE DIABETES MELLITUS; MODY type 1; Diabetes mellitus MODY type 1; MODY HNF4A related. Identifiers: Orphanet 552, MedGen C1852093, MONDO:0007452, OMIM 125850. Disease mechanism: loss of function.

gnomAD v4.1: 1 of 1,614,138 alleles (0.000062%); highest among the groups gnomAD compares: Non-Finnish European, 0.000085%; no homozygotes.

Submissions (3):

ClinGen Monogenic Diabetes Variant Curation Expert Panel
Classification: Uncertain significance for Monogenic diabetes. Last evaluated: 2025-01-03. Review status: reviewed by expert panel. Criteria: ClinGen Diabetes ACMG Specifications HNF4A V2.0.0. Collection method: curation. Allele origin: germline. Inheritance: Autosomal dominant inheritance.
Comment: The c.1127T>G variant in the hepatocyte nuclear factor 4-alpha gene, HNF4A, causes an amino acid change of methionine to arginine at codon 376 (p.(Met376Arg)) of NM_175914.5. This variant has a REVEL score of 0.235, which is between the ClinGen MDEP thresholds for BP4 and PP3, predicting neither a damaging nor benign impact on HNF4A function. This variant is absent from gnomAD v2.1.1 (PM2_Supporting). In summary, c.1127T>G meets the criteria to be classified as a variant of uncertain significance for monogenic diabetes. ACMG/AMP criteria applied, as specified by the ClinGen MDEP (specification version 2.0.0, approved 10/11/2023): PP4_Moderate, PM2_Supporting.

Labcorp Genetics (formerly Invitae), Labcorp
Classification: Uncertain significance. Last evaluated: 2024-01-04. Review status: criteria provided, single submitter. Criteria: Invitae Variant Classification Sherloc (09022015). Collection method: clinical testing. Allele origin: germline. Not counted in ClinVar's aggregate classification.
Comment: This sequence change replaces methionine, which is neutral and non-polar, with arginine, which is basic and polar, at codon 376 of the HNF4A protein (p.Met376Arg). This variant is not present in population databases (gnomAD no frequency). This variant has not been reported in the literature in individuals affected with HNF4A-related conditions. ClinVar contains an entry for this variant (Variation ID: 1679313). Advanced modeling of protein sequence and biophysical properties (such as structural, functional, and spatial information, amino acid conservation, physicochemical variation, residue mobility, and thermodynamic stability) has been performed at Invitae for this missense variant, however the output from this modeling did not meet the statistical confidence thresholds required to predict the impact of this variant on HNF4A protein function. In summary, the available evidence is currently insufficient to determine the role of this variant in disease. Therefore, it has been classified as a Variant of Uncertain Significance.

Department of Clinical Genetics, Copenhagen University Hospital, Rigshospitalet
Classification: Uncertain significance for Maturity-onset diabetes of the young type 1. Last evaluated: 2021-08-01. Review status: criteria provided, single submitter. Criteria: ACMG Guidelines, 2015. Collection method: clinical testing. Allele origin: unknown. Affected: yes. Not counted in ClinVar's aggregate classification.

NM_175914.5(HNF4A):c.1127T>G (p.Met376Arg)

Gene: HNF4A (hepatocyte nuclear factor 4 alpha; plus strand). Cytogenetic location: 20q13.12.
Variant type: single nucleotide variant.
Coding change: c.1127T>G on transcript NM_175914.5 (MANE Select); coding-DNA position 1127, T replaced by G.
Protein change: p.Met376Arg; replaces methionine 376 with arginine.
Molecular consequence: missense variant.
Genome position (GRCh38, 1-based): chr20:44,428,398, T>G. VCF-style: chr20-44428398-T-G. GRCh37 (hg19) VCF-style: chr20-43057038-T-G.
Other names: NM_175914.5(HNF4A):c.1127T>G; p.Met376Arg; c.1193T>G, p.Met398Arg (NM_000457.6, NM_178849.3); c.1127T>G, p.Met376Arg (NM_001030003.3); c.1172T>G, p.Met391Arg (NM_001258355.2); c.1118T>G, p.Met373Arg (NM_001287182.2, NM_001287183.2); short protein forms M373R, M376R, M391R, M398R.
Identifiers: ClinVar variation 1679313 (VCV001679313.7), dbSNP rs199956600, ClinGen allele CA409110090.